The following is an entry in ClinVar:

ClinVar aggregate classification (germline): Pathogenic. Review status: criteria provided, multiple submitters, no conflicts (2 of 4 stars). 3 submissions from 3 submitters: Pathogenic (2). 1 of the submissions does not count toward it. Last evaluated 2026-09-08.

Conditions:
Fabry disease. Also called: Ceramide trihexosidosis; Fabry's disease; CERAMIDE TRIHEXOSIDASE DEFICIENCY; GLA DEFICIENCY; HEREDITARY DYSTOPIC LIPIDOSIS; ALPHA-GALACTOSIDASE A DEFICIENCY. Identifiers: Orphanet 324, MedGen C0002986, MONDO:0010526, OMIM 301500, HP:0001071. Disease mechanism: Fabry disease is due to inactivating mutations in the X-linked GLA gene resulting in deficiency of the enzyme Alpha Galactosidase-A., loss of function.

Submissions (3):

Genomenon, Inc
Classification: Pathogenic for Fabry disease. Last evaluated: 2026-09-08. Review status: criteria provided, single submitter. Criteria: Genomenon Sequence Variant Interpretation Standards - Updated. Collection method: curation. Allele origin: germline. Affected: yes.
Comment: GLA p.Cys202Trp (c.606T>G) is a missense variant that changes the amino acid at codon 202 from Cysteine to Tryptophan. This variant has been observed in at least one proband with clinical features consistent with Fabry disease (PMID:10208848;8012363;25511234;25974833;23566439). At least one functional study has demonstrated a substantial alteration in protein function relative to the wild-type (PMID:27657681). This variant is located in a mutational hotspot and/or important functional domain. It is absent or not present at a significant frequency in gnomAD. In silico models predict that this variant is possibly or probably damaging. In conclusion, we classify GLA p.Cys202Trp (c.606T>G) as a pathogenic variant.

Labcorp Genetics (formerly Invitae), Labcorp
Classification: Pathogenic for Fabry disease. Last evaluated: 2024-05-10. Review status: criteria provided, single submitter. Criteria: Invitae Variant Classification Sherloc (09022015). Collection method: clinical testing. Allele origin: germline.
Comment: This sequence change replaces cysteine, which is neutral and slightly polar, with tryptophan, which is neutral and slightly polar, at codon 202 of the GLA protein (p.Cys202Trp). This variant is not present in population databases (gnomAD no frequency). This missense change has been observed in individuals with Fabry disease (PMID: 8012363, 10208848; Invitae). ClinVar contains an entry for this variant (Variation ID: 10729). Advanced modeling of protein sequence and biophysical properties (such as structural, functional, and spatial information, amino acid conservation, physicochemical variation, residue mobility, and thermodynamic stability) performed at Invitae indicates that this missense variant is expected to disrupt GLA protein function with a positive predictive value of 80%. This variant disrupts the p.Cys202 amino acid residue in GLA. Other variant(s) that disrupt this residue have been determined to be pathogenic (PMID: 9100224, 19387866, 23935525). This suggests that this residue is clinically significant, and that variants that disrupt this residue are likely to be disease-causing. For these reasons, this variant has been classified as Pathogenic.

OMIM
Classification: Pathogenic for FABRY DISEASE. Last evaluated: 2017-06-16. Review status: no assertion criteria provided. Collection method: literature only. Allele origin: germline. Not counted in ClinVar's aggregate classification.

Literature cited by the submitters: PubMed 10208848 (cited by Genomenon, Inc and Labcorp Genetics (formerly Invitae), Labcorp); PubMed 8012363 (cited by Genomenon, Inc and Labcorp Genetics (formerly Invitae), Labcorp); PubMed 25511234 (cited by Genomenon, Inc); PubMed 25974833 (cited by Genomenon, Inc); PubMed 23566439 (cited by Genomenon, Inc); PubMed 27657681 (cited by Genomenon, Inc); PubMed 9100224 (cited by Labcorp Genetics (formerly Invitae), Labcorp); PubMed 19387866 (cited by Labcorp Genetics (formerly Invitae), Labcorp); PubMed 23935525 (cited by Labcorp Genetics (formerly Invitae), Labcorp); deJong, J. G. N., Jansen, P. P. M., van den Berg, C. J. M. G., Hamel, B. C. J., Wevers, R. A., Ploos van Amstel, J. K. Genetic heterogeneity in Fabry's disease: mutations in the alpha-galactosidase A gene. Proceedings of the 2nd International Duodecim Symposium. Molecular Biology of Lysosomal Disease, Majik, Finland 1993. (cited by OMIM).

NM_000169.3(GLA):c.606T>G (p.Cys202Trp)

Genes: GLA (galactosidase alpha; minus strand), RPL36A-HNRNPH2 (RPL36A-HNRNPH2 readthrough; plus strand). Cytogenetic location: Xq22.1.
Variant type: single nucleotide variant.
Coding change: c.606T>G on transcript NM_000169.3 (MANE Select); coding-DNA position 606, T replaced by G.
Protein change: p.Cys202Trp; replaces cysteine 202 with tryptophan.
Molecular consequence: missense variant. On other transcripts: non-coding transcript variant (2), intron variant (2).
Genome position (GRCh38, 1-based): chrX:101,400,699, A>C on the plus strand (T>G on the coding strand, the complement: GLA is on the minus strand). VCF-style: chrX-101400699-A-C. GRCh37 (hg19) VCF-style: chrX-100655687-A-C.
Other names: c.729T>G, p.Cys243Trp (NM_001406747.1); c.606T>G, p.Cys202Trp (NM_001406748.1); c.300+5242A>C (NM_001199973.2); c.177+8877A>C (NM_001199974.2); short protein forms C202W, C243W.
Identifiers: ClinVar variation 10729 (VCV000010729.6), dbSNP rs104894838, ClinGen allele CA021821.